The following is an entry in ClinVar:

ClinVar aggregate classification (germline): Uncertain significance. Review status: criteria provided, multiple submitters, no conflicts (2 of 4 stars). 4 submissions from 4 submitters: Uncertain significance (4). Last evaluated 2025-12-24.

Conditions:
Fanconi anemia (FA). Also called: Fanconi's anemia. Identifiers: Orphanet 84, MedGen C0015625, MeSH D005199, MONDO:0019391.
Fanconi anemia complementation group P. Also called: SLX4-Related Fanconi Anemia. Identifiers: Orphanet 84, MedGen C3469542, MONDO:0013499, OMIM 613951.

Allele frequency attached by ClinVar (database versions not stated): gnomAD 0.00006 and 0.00009; ExAC 0.00013; TOPMed 0.00015; 1000 Genomes Project 30x 0.00031; 1000 Genomes Project 0.00040.
gnomAD v4.1: 56 of 1,614,238 alleles (0.0035%); highest among the groups gnomAD compares: East Asian, 0.087%; no homozygotes.

Submissions (4):

Labcorp Genetics (formerly Invitae), Labcorp
Classification: Uncertain significance for Fanconi anemia. Last evaluated: 2025-12-24. Review status: criteria provided, single submitter. Criteria: Invitae Variant Classification Sherloc (09022015). Collection method: clinical testing. Allele origin: germline.
Comment: This sequence change replaces asparagine, which is neutral and polar, with serine, which is neutral and polar, at codon 1691 of the SLX4 protein (p.Asn1691Ser). This variant is present in population databases (rs551385115, gnomAD 0.2%). This missense change has been observed in individual(s) with breast cancer (PMID: 22401137). ClinVar contains an entry for this variant (Variation ID: 573413). An algorithm developed to predict the effect of missense changes on protein structure and function (PolyPhen-2) suggests that this variant is likely to be tolerated. In summary, the available evidence is currently insufficient to determine the role of this variant in disease. Therefore, it has been classified as a Variant of Uncertain Significance.

Fulgent Genetics
Classification: Uncertain significance for Fanconi anemia complementation group P. Last evaluated: 2024-06-21. Review status: criteria provided, single submitter. Criteria: ACMG Guidelines, 2015. Collection method: clinical testing. Allele origin: germline.

Genetic Services Laboratory, University of Chicago
Classification: Uncertain significance. Last evaluated: 2020-09-08. Review status: criteria provided, single submitter. Criteria: ACMG Guidelines, 2015. Collection method: clinical testing. Allele origin: germline. Affected: no.
Comment: DNA sequence analysis of the SLX4 gene demonstrated a sequence change, c.5072A>G, in exon 14 that results in an amino acid change, p.Asn1691Ser. This sequence change has been described in the gnomAD database with a frequency of 0.16% in the East Asian sub-population (dbSNP rs551385115). The p.Asn1691Ser change has been reported in the heterozygous state in a family with breast cancer (PMID: 22401137). This sequence change affects a poorly conserved amino acid residue located in a domain of the SLX4 protein that is not known to be functional. The p.Asn1691Ser substitution appears to be benign using several in-silico pathogenicity prediction tools (SIFT, PolyPhen2, Align GVGD, REVEL). Due to these contrasting evidences and the lack of functional studies, the clinical significance of the p.Asn1691Ser change remains unknown at this time.

Revvity Omics, Revvity
Classification: Uncertain significance for Fanconi anemia complementation group P. Last evaluated: 2019-11-26. Review status: criteria provided, single submitter. Criteria: ACMG Guidelines, 2015. Collection method: clinical testing. Allele origin: germline.

Literature cited by the submitters: PubMed 22401137 (cited by Labcorp Genetics (formerly Invitae), Labcorp).

NM_032444.4(SLX4):c.5072A>G (p.Asn1691Ser)

Gene: SLX4 (SLX4 structure-specific endonuclease subunit; minus strand). Cytogenetic location: 16p13.3.
Variant type: single nucleotide variant.
Coding change: c.5072A>G on transcript NM_032444.4 (MANE Select); coding-DNA position 5072, A replaced by G.
Protein change: p.Asn1691Ser; replaces asparagine 1691 with serine.
Molecular consequence: missense variant.
Genome position (GRCh38, 1-based): chr16:3,583,178, T>C on the plus strand (A>G on the coding strand, the complement: SLX4 is on the minus strand). VCF-style: chr16-3583178-T-C. GRCh37 (hg19) VCF-style: chr16-3633179-T-C.
Other names: c.5072A>G (LRG_503t1); short protein forms N1691S.
Identifiers: ClinVar variation 573413 (VCV000573413.16), dbSNP rs551385115, ClinGen allele CA7865435.